The following is an entry in ClinVar:

NM_001261826.3(AP3D1):c.1325T>C (p.Leu442Pro)

Gene: AP3D1 (adaptor related protein complex 3 subunit delta 1; minus strand). Cytogenetic location: 19p13.3.
Variant type: single nucleotide variant.
Coding change: c.1325T>C on transcript NM_001261826.3 (MANE Select); coding-DNA position 1325, T replaced by C.
Protein change: p.Leu442Pro; replaces leucine 442 with proline.
Molecular consequence: missense variant.
Genome position (GRCh38, 1-based): chr19:2,121,018, A>G on the plus strand (T>C on the coding strand, the complement: AP3D1 is on the minus strand). VCF-style: chr19-2121018-A-G. GRCh37 (hg19) VCF-style: chr19-2121017-A-G.
Other names: c.1325T>C, p.Leu442Pro (NM_001374799.1, NM_003938.8); short protein forms L442P.
Identifiers: ClinVar variation 4725278 (VCV004725278.1).
Genomic context (GRCh38, chr19:2,121,018, plus strand): 5'-AGCGCAGACATCTGGGACACGGCGAACTTGCGGATGGCCTTCACGCGGATGGCCACGTCC[A>G]GCATTTGGGCGGCGATGAGGTGGCCGTGCCGTGTGCCCTCCAGCCGGGTCAGCTCCACCA-3'
Protein context (NP_001248755.1, residues 432-452): RHGHLIAAQM[Leu442Pro]DVAIRVKAIR

ClinVar aggregate classification (germline): Uncertain significance (1 of 4 stars; one submission).

Submission:

Labcorp Genetics (formerly Invitae), Labcorp
Classification: Uncertain significance. Last evaluated: 2025-08-18. Review status: criteria provided, single submitter. Criteria: Invitae Variant Classification Sherloc (09022015). Collection method: clinical testing. Allele origin: germline.
Comment: This sequence change replaces leucine, which is neutral and non-polar, with proline, which is neutral and non-polar, at codon 442 of the AP3D1 protein (p.Leu442Pro). This variant is present in population databases (no rsID available, gnomAD 0.0009%). This variant has not been reported in the literature in individuals affected with AP3D1-related conditions. An algorithm developed to predict the effect of missense changes on protein structure and function (PolyPhen-2) suggests that this variant is likely to be disruptive. In summary, the available evidence is currently insufficient to determine the role of this variant in disease. Therefore, it has been classified as a Variant of Uncertain Significance.